The following is an entry in ClinVar:

ClinVar aggregate classification (germline): Benign/Likely benign. Review status: criteria provided, multiple submitters, no conflicts (2 of 4 stars). 4 submissions from 4 submitters: Benign (1); Likely benign (2). 1 of the submissions does not count toward it. Last evaluated 2026-08-01.

Conditions:
Rubinstein-Taybi syndrome due to EP300 haploinsufficiency. Also called: RUBINSTEIN-TAYBI SYNDROME 2; EP300-Related Rubinstein-Taybi Syndrome. Identifiers: Orphanet 353284, Orphanet 783, MedGen C3150941, MONDO:0013364, OMIM 613684.
EP300-related disorder. Also called: EP300-related condition; EP300-related disorders.

Allele frequency attached by ClinVar (database versions not stated): ESP Exome Variant Server 0.00015; 1000 Genomes Project 30x 0.00016; 1000 Genomes Project 0.00020; TOPMed 0.00087.
gnomAD v4.1: 432 of 1,614,040 alleles (0.027%); highest among the groups gnomAD compares: Admixed American, 0.68%; 7 homozygotes.

Submissions (4):

CeGaT Center for Human Genetics Tuebingen
Classification: Likely benign. Last evaluated: 2026-08-01. Review status: criteria provided, single submitter. Criteria: CeGaT Center For Human Genetics Tuebingen Variant Classification Criteria Version 2. Collection method: clinical testing. Allele origin: germline. Affected: yes. Observed: 5 variant alleles.
Comment: EP300: BP4, BS1

Labcorp Genetics (formerly Invitae), Labcorp
Classification: Likely benign for Rubinstein-Taybi syndrome due to EP300 haploinsufficiency. Last evaluated: 2025-12-31. Review status: criteria provided, single submitter. Criteria: Invitae Variant Classification Sherloc (09022015). Collection method: clinical testing. Allele origin: germline.

GeneDx
Classification: Benign. Last evaluated: 2020-03-10. Review status: criteria provided, single submitter. Criteria: GeneDx Variant Classification Process June 2021. Collection method: clinical testing. Allele origin: germline. Affected: yes.

PreventionGenetics, part of Exact Sciences
Classification: Likely benign for EP300-related condition. Last evaluated: 2019-08-13. Review status: no assertion criteria provided. Collection method: clinical testing. Allele origin: germline. Not counted in ClinVar's aggregate classification.
Comment: This variant is classified as likely benign based on ACMG/AMP sequence variant interpretation guidelines (Richards et al. 2015 PMID: 25741868, with internal and published modifications).

NM_001429.4(EP300):c.3624C>A (p.Ile1208=)

Gene: EP300 (EP300 lysine acetyltransferase; plus strand). Cytogenetic location: 22q13.2.
Variant type: single nucleotide variant.
Coding change: c.3624C>A on transcript NM_001429.4 (MANE Select); coding-DNA position 3624, C replaced by A.
Protein change: p.Ile1208=; no amino-acid change (isoleucine 1208 retained).
Molecular consequence: synonymous variant.
Genome position (GRCh38, 1-based): chr22:41,160,675, C>A. VCF-style: chr22-41160675-C-A. GRCh37 (hg19) VCF-style: chr22-41556679-C-A.
Other names: c.3546C>A, p.Ile1182= (NM_001362843.2).
Identifiers: ClinVar variation 341803 (VCV000341803.24), dbSNP rs143660871, ClinGen allele CA10253168.